The following is an entry in ClinVar:

ClinVar aggregate classification (germline): Conflicting classifications of pathogenicity. Review status: criteria provided, conflicting classifications (1 of 4 stars). 15 submissions from 13 submitters: Uncertain significance (2); Benign (5); Likely benign (2). 6 of the submissions do not count toward it. Last evaluated 2026-07-20.

Conditions:
MYO7A-related disorder. Also called: MYO7A-related disorders.
Usher syndrome type 1 (USH1). Also called: RETINITIS PIGMENTOSA AND CONGENITAL DEAFNESS. Identifiers: Orphanet 231169, Orphanet 886, MedGen C1568247, MONDO:0010168, OMIM 276900.
Autosomal recessive nonsyndromic hearing loss 2. Also called: NEUROSENSORY NONSYNDROMIC RECESSIVE DEAFNESS 2; DEAFNESS, AUTOSOMAL RECESSIVE 2. Identifiers: Orphanet 90636, MedGen C1838701, MONDO:0010807, OMIM 600060.
Autosomal dominant nonsyndromic hearing loss 11. Identifiers: Orphanet 90635, MedGen C1832475, MONDO:0011032, OMIM 601317.
Usher syndrome type 1B (USH1B). Also called: Usher syndrome type IB. Identifiers: MedGen C1848638, MONDO:0700087.

Allele frequency attached by ClinVar (database versions not stated): ESP Exome Variant Server 0.00240; TOPMed 0.00334; 1000 Genomes Project 30x 0.00125; 1000 Genomes Project 0.00160; gnomAD 0.00372 and 0.00386; gnomAD exomes 0.00398 and 0.00422; ExAC 0.00450.
gnomAD v4.1: 6,708 of 1,612,528 alleles (0.42%); highest among the groups gnomAD compares: Non-Finnish European, 0.46%; 20 homozygotes.

Submissions (15):

PreventionGenetics, part of Exact Sciences
Classification: Likely benign for MYO7A-related condition. Last evaluated: 2026-07-20. Review status: criteria provided, single submitter. Criteria: ACMG Guidelines, 2015. Collection method: clinical testing. Allele origin: germline.
Comment: This variant is classified as likely benign based on ACMG/AMP sequence variant interpretation guidelines (Richards et al. 2015 PMID: 25741868, with internal and published modifications).

CeGaT Center for Human Genetics Tuebingen
Classification: Benign. Last evaluated: 2026-06-01. Review status: criteria provided, single submitter. Criteria: CeGaT Center For Human Genetics Tuebingen Variant Classification Criteria Version 2. Collection method: clinical testing. Allele origin: germline. Affected: yes. Observed: 22 variant alleles.
Comment: MYO7A: BS1, BS2

Labcorp Genetics (formerly Invitae), Labcorp
Classification: Benign. Last evaluated: 2026-02-04. Review status: criteria provided, single submitter. Criteria: Invitae Variant Classification Sherloc (09022015). Collection method: clinical testing. Allele origin: germline.

GeneDx
Classification: Likely benign. Last evaluated: 2021-04-12. Review status: criteria provided, single submitter. Criteria: GeneDx Variant Classification Process June 2021. Collection method: clinical testing. Allele origin: germline. Affected: yes.
Comment: This variant is associated with the following publications: (PMID: 25558175, 23804846, 15121790)

Illumina Laboratory Services, Illumina
Classification: Benign for Autosomal dominant nonsyndromic hearing loss 11. Last evaluated: 2018-01-12. Review status: criteria provided, single submitter. Criteria: ICSL Variant Classification Criteria 13 December 2019. Collection method: clinical testing. Allele origin: germline.
Comment: This variant was observed in the ICSL laboratory as part of a predisposition screen in an ostensibly healthy population. It had not been previously curated by ICSL or reported in the Human Gene Mutation Database (HGMD: prior to June 1st, 2018), and was therefore a candidate for classification through an automated scoring system. Utilizing variant allele frequency, disease prevalence and penetrance estimates, and inheritance mode, an automated score was calculated to assess if this variant is too frequent to cause the disease. Based on the score and internal cut-off values, a variant classified as benign is not then subjected to further curation. The score for this variant resulted in a classification of benign for this disease.

Illumina Laboratory Services, Illumina
Classification: Uncertain significance for Autosomal recessive nonsyndromic hearing loss 2. Last evaluated: 2018-01-12. Review status: criteria provided, single submitter. Criteria: ICSL Variant Classification Criteria 13 December 2019. Collection method: clinical testing. Allele origin: germline.

Illumina Laboratory Services, Illumina
Classification: Uncertain significance for Usher syndrome type 1. Last evaluated: 2018-01-12. Review status: criteria provided, single submitter. Criteria: ICSL Variant Classification Criteria 13 December 2019. Collection method: clinical testing. Allele origin: germline.

Eurofins Ntd Llc (ga)
Classification: Benign. Last evaluated: 2014-11-19. Review status: criteria provided, single submitter. Criteria: EGL Classification Definitions 2015. Collection method: clinical testing. Allele origin: germline. Observed: 1 variant allele, 1 heterozygote.

Laboratory for Molecular Medicine, Mass General Brigham Personalized Medicine
Classification: Benign. Last evaluated: 2012-05-15. Review status: criteria provided, single submitter. Criteria: LMM Criteria. Collection method: clinical testing. Allele origin: germline. Observed: 18 variant alleles.
Comment: Val1956Ile in Exon 43 of MYO7A: This variant is not expected to have clinical si gnificance because it has been identified in 0.3% (21/6834) of European American chromosomes from a broad population by the NHLBI Exome Sequencing Project (dbSNP rs142293185) and has been reported as benign (Street 2004, Le Quesne Stabej 2011).

Natera, Inc.
Classification: Benign for Usher syndrome type 1B. Last evaluated: 2019-11-01. Review status: no assertion criteria provided. Collection method: clinical testing. Allele origin: germline. Not counted in ClinVar's aggregate classification.

Counsyl
Classification: Likely benign for Usher syndrome type 1; Autosomal recessive nonsyndromic hearing loss 2. Last evaluated: 2017-10-03. Review status: no assertion criteria provided. Collection method: clinical testing. Allele origin: unknown. Not counted in ClinVar's aggregate classification.

Clinical Genetics DNA and cytogenetics Diagnostics Lab, Erasmus MC, Erasmus Medical Center
Classification: Likely benign. Review status: no assertion criteria provided. Collection method: clinical testing. Allele origin: germline. Affected: yes. Study: VKGL Data-share Consensus. Not counted in ClinVar's aggregate classification.

Clinical Genetics, Academic Medical Center
Classification: Benign. Review status: no assertion criteria provided. Collection method: clinical testing. Allele origin: germline. Affected: yes. Study: VKGL Data-share Consensus. Not counted in ClinVar's aggregate classification.

Joint Genome Diagnostic Labs from Nijmegen and Maastricht, Radboudumc and MUMC+
Classification: Benign. Review status: no assertion criteria provided. Collection method: clinical testing. Allele origin: germline. Affected: yes. Study: VKGL Data-share Consensus. Not counted in ClinVar's aggregate classification.

Laboratory of Diagnostic Genome Analysis, Leiden University Medical Center (LUMC)
Classification: Likely benign. Review status: no assertion criteria provided. Collection method: clinical testing. Allele origin: germline. Affected: yes. Study: VKGL Data-share Consensus. Not counted in ClinVar's aggregate classification.

Literature cited by the submitters: PubMed 15121790 (cited by Laboratory for Molecular Medicine, Mass General Brigham Personalized Medicine); PubMed 25558175 (cited by Counsyl); PubMed 23804846 (cited by Counsyl); PubMed 22135276 (cited by Counsyl); PubMed 20146813 (cited by Counsyl); PubMed 27068579 (cited by Counsyl).

NM_000260.4(MYO7A):c.5866G>A (p.Val1956Ile)

Gene: MYO7A (myosin VIIA; plus strand). Cytogenetic location: 11q13.5.
Variant type: single nucleotide variant.
Coding change: c.5866G>A on transcript NM_000260.4 (MANE Select); coding-DNA position 5866, G replaced by A.
Protein change: p.Val1956Ile; replaces valine 1956 with isoleucine.
Molecular consequence: missense variant.
Genome position (GRCh38, 1-based): chr11:77,208,439, G>A. VCF-style: chr11-77208439-G-A. GRCh37 (hg19) VCF-style: chr11-76919484-G-A.
Other names: c.5752G>A, p.Val1918Ile (NM_001127180.2); c.5719G>A, p.Val1907Ile (NM_001369365.1); short protein forms V1956I, V1918I, V1907I.
Identifiers: ClinVar variation 43305 (VCV000043305.71), dbSNP rs142293185, ClinGen allele CA132407.